The following is an entry in ClinVar:

NM_006516.4(SLC2A1):c.454C>T (p.Leu152Phe)

Gene: SLC2A1 (solute carrier family 2 member 1; minus strand). Cytogenetic location: 1p34.2.
Variant type: single nucleotide variant.
Coding change: c.454C>T on transcript NM_006516.4 (MANE Select); coding-DNA position 454, C replaced by T.
Protein change: p.Leu152Phe; replaces leucine 152 with phenylalanine.
Molecular consequence: missense variant.
Genome position (GRCh38, 1-based): chr1:42,930,688, G>A on the plus strand (C>T on the coding strand, the complement: SLC2A1 is on the minus strand). VCF-style: chr1-42930688-G-A. GRCh37 (hg19) VCF-style: chr1-43396359-G-A.
Other names: short protein forms L152F.
Identifiers: ClinVar variation 3683527 (VCV003683527.2).

ClinVar aggregate classification (germline): Uncertain significance (1 of 4 stars; one submission).

Conditions:
GLUT1 deficiency syndrome 1, autosomal recessive. Identifiers: MedGen C3149117.

Submission:

Labcorp Genetics (formerly Invitae), Labcorp
Classification: Uncertain significance for GLUT1 deficiency syndrome 1, autosomal recessive. Last evaluated: 2024-08-31. Review status: criteria provided, single submitter. Criteria: Invitae Variant Classification Sherloc (09022015). Collection method: clinical testing. Allele origin: germline.
Comment: This sequence change replaces leucine, which is neutral and non-polar, with phenylalanine, which is neutral and non-polar, at codon 152 of the SLC2A1 protein (p.Leu152Phe). This variant is not present in population databases (gnomAD no frequency). This variant has not been reported in the literature in individuals affected with SLC2A1-related conditions. Invitae Evidence Modeling of protein sequence and biophysical properties (such as structural, functional, and spatial information, amino acid conservation, physicochemical variation, residue mobility, and thermodynamic stability) indicates that this missense variant is expected to disrupt SLC2A1 protein function with a positive predictive value of 95%. In summary, the available evidence is currently insufficient to determine the role of this variant in disease. Therefore, it has been classified as a Variant of Uncertain Significance.